The following is an entry in ClinVar:

ClinVar aggregate classification (germline): Uncertain significance. Review status: criteria provided, multiple submitters, no conflicts (2 of 4 stars). 5 submissions from 5 submitters: Uncertain significance (5). Last evaluated 2025-12-03.

Conditions:
Cardiovascular phenotype. Identifiers: MedGen CN230736.
Brugada syndrome. Also called: Sudden Unexplained Death Syndrome; Sudden Unexplained Nocturnal Death Syndrome (SUNDS); Sudden unexpected nocturnal death syndrome; Sudden unexplained nocturnal death syndrome. Identifiers: Orphanet 130, MedGen C1142166, MONDO:0015263.

Allele frequency attached by ClinVar (database versions not stated): ExAC 0.00002; gnomAD exomes 0.00002 and 0.00004; TOPMed 0.00002; gnomAD 0.00003 and 0.00004; ESP Exome Variant Server 0.00024.

Submissions (5):

Ambry Genetics
Classification: Uncertain significance for Cardiovascular phenotype. Last evaluated: 2025-12-03. Review status: criteria provided, single submitter. Criteria: Ambry Variant Classification Scheme 2023. Collection method: clinical testing. Allele origin: germline.
Comment: The c.2427delA variant, located in coding exon 15 of the SCN10A gene, results from a deletion of one nucleotide at nucleotide position 2427, causing a translational frameshift with a predicted alternate stop codon (p.E811Kfs*61). The evidence for this gene-disease relationship is limited; therefore, the clinical significance of this alteration is unclear.

Labcorp Genetics (formerly Invitae), Labcorp
Classification: Uncertain significance for Brugada syndrome. Last evaluated: 2025-02-06. Review status: criteria provided, single submitter. Criteria: Invitae Variant Classification Sherloc (09022015). Collection method: clinical testing. Allele origin: germline.
Comment: This sequence change creates a premature translational stop signal (p.Glu811Lysfs*61) in the SCN10A gene. It is expected to result in an absent or disrupted protein product. However, the current clinical and genetic evidence is not sufficient to establish whether loss-of-function variants in SCN10A cause disease. This variant is present in population databases (rs751810656, gnomAD 0.005%). This variant has not been reported in the literature in individuals affected with SCN10A-related conditions. ClinVar contains an entry for this variant (Variation ID: 424222). In summary, the available evidence is currently insufficient to determine the role of this variant in disease. Therefore, it has been classified as a Variant of Uncertain Significance.

CeGaT Center for Human Genetics Tuebingen
Classification: Uncertain significance. Last evaluated: 2024-08-01. Review status: criteria provided, single submitter. Criteria: CeGaT Center For Human Genetics Tuebingen Variant Classification Criteria Version 2. Collection method: clinical testing. Allele origin: germline. Affected: yes. Observed: 1 variant allele.

GeneDx
Classification: Uncertain significance. Last evaluated: 2023-12-12. Review status: criteria provided, single submitter. Criteria: GeneDx Variant Classification Process June 2021. Collection method: clinical testing. Allele origin: germline. Affected: yes.
Comment: Frameshift variant predicted to result in protein truncation or nonsense mediated decay in a gene or region of a gene for which loss of function is not a well-established mechanism of disease; Has not been previously published as pathogenic or benign to our knowledge

Mayo Clinic Laboratories, Mayo Clinic
Classification: Uncertain significance. Last evaluated: 2022-01-07. Review status: criteria provided, single submitter. Criteria: ACMG Guidelines, 2015. Collection method: clinical testing. Allele origin: germline.

NM_006514.4(SCN10A):c.2427del (p.Glu811fs)

Gene: SCN10A (sodium voltage-gated channel alpha subunit 10; minus strand). Cytogenetic location: 3p22.2.
Variant type: Deletion.
Coding change: c.2427del on transcript NM_006514.4 (MANE Select); coding-DNA position 2427, one base deleted (A; older notation c.2427delA).
Protein change: p.Glu811fs; shifts the reading frame from glutamic acid 811.
Molecular consequence: frameshift variant.
Genome position (GRCh38, 1-based): chr3:38,728,755, T deleted on the plus strand (A on the coding strand, the reverse complement: SCN10A is on the minus strand). VCF-style (leftmost placement, unchanged base first): chr3-38728754-CT-C. GRCh37 (hg19) VCF-style: chr3-38770245-CT-C.
Other names: p.Glu811Lysfs*61; c.2427del, p.Glu811fs (NM_001293306.2); c.2133del, p.Glu713fs (NM_001293307.2); c.2427del (NM_006514.2); c.2427delA (NM_006514.2); short protein forms E811fs, E713fs.
Identifiers: ClinVar variation 424222 (VCV000424222.26), dbSNP rs751810656, ClinGen allele CA2320549.